The following is an entry in ClinVar:

NM_001039591.3(USP9X):c.6175A>T (p.Thr2059Ser)

Gene: USP9X (ubiquitin specific peptidase 9 X-linked; plus strand). Cytogenetic location: Xp11.4.
Variant type: single nucleotide variant.
Coding change: c.6175A>T on transcript NM_001039591.3 (MANE Select); coding-DNA position 6175, A replaced by T.
Protein change: p.Thr2059Ser; replaces threonine 2059 with serine.
Molecular consequence: missense variant.
Genome position (GRCh38, 1-based): chrX:41,217,309, A>T. VCF-style: chrX-41217309-A-T. GRCh37 (hg19) VCF-style: chrX-41076562-A-T.
Other names: c.6175A>T, p.Thr2059Ser (NM_001039590.3); c.6190A>T, p.Thr2064Ser (NM_001410748.1, NM_001410749.1); short protein forms T2059S, T2064S.
Identifiers: ClinVar variation 2577634 (VCV002577634.1), dbSNP rs2519375511, ClinGen allele CA412799122.
Genomic context (GRCh38, chrX:41,217,309, plus strand): 5'-GAAATCACTATGATCAGTATTCAACTTGCTGCTAGGTTCCTCTTTACTACAGGATTTCAC[A>T]CAAAGAAAGTAGTCCGTGGCTCTGCCAGTGATTGGTACATTGCTTTGGATTTTCATTCCT-3'
Protein context (NP_001034680.2, residues 2049-2069): ARFLFTTGFH[Thr2059Ser]KKVVRGSASD

ClinVar aggregate classification (germline): Uncertain significance (1 of 4 stars; one submission).

Submission:

GeneDx
Classification: Uncertain significance. Last evaluated: 2023-02-23. Review status: criteria provided, single submitter. Criteria: GeneDx Variant Classification Process June 2021. Collection method: clinical testing. Allele origin: germline. Affected: yes.
Comment: Not observed at significant frequency in large population cohorts (gnomAD); In silico analysis supports that this missense variant has a deleterious effect on protein structure/function; Has not been previously published as pathogenic or benign to our knowledge